The following is an entry in ClinVar:

ClinVar aggregate classification (germline): Uncertain significance (1 of 4 stars; one submission).

Conditions:
Inborn genetic diseases. Identifiers: MedGen C0950123, MeSH D030342.

Submission:

Ambry Genetics
Classification: Uncertain significance for Inborn genetic diseases. Last evaluated: 2026-03-03. Review status: criteria provided, single submitter. Criteria: Ambry Variant Classification Scheme 2023. Collection method: clinical testing. Allele origin: germline.
Comment: The p.P126T variant (also known as c.376C>A), located in coding exon 4 of the ETV6 gene, results from a C to A substitution at nucleotide position 376. The proline at codon 126 is replaced by threonine, an amino acid with highly similar properties. This amino acid position is conserved. In addition, this alteration is predicted to be tolerated by in silico analysis. Based on the available evidence, the clinical significance of this variant remains unclear.

NM_001987.5(ETV6):c.376C>A (p.Pro126Thr)

Gene: ETV6 (ETS variant transcription factor 6; plus strand). Cytogenetic location: 12p13.2.
Variant type: single nucleotide variant.
Coding change: c.376C>A on transcript NM_001987.5 (MANE Select); coding-DNA position 376, C replaced by A.
Protein change: p.Pro126Thr; replaces proline 126 with threonine.
Molecular consequence: missense variant.
Genome position (GRCh38, 1-based): chr12:11,853,474, C>A. VCF-style: chr12-11853474-C-A. GRCh37 (hg19) VCF-style: chr12-12006408-C-A.
Other names: c.373C>A, p.Pro125Thr (NM_001413913.1); c.349C>A, p.Pro117Thr (NM_001413914.1); c.112C>A, p.Pro38Thr (NM_001413915.1); c.376C>A, p.Pro126Thr (NM_001413916.1, NM_001413917.1); short protein forms P126T, P38T, P125T, P117T.
Identifiers: ClinVar variation 4826550 (VCV004826550.1).
Genomic context (GRCh38, chr12:11,853,474, plus strand): 5'-TTTTTCTTTCCAGGTGATGTGCTCTATGAACTCCTTCAGCATATTCTGAAGCAGAGGAAA[C>A]CTCGGATTCTTTTTTCACCATTCTTCCACCCTGGAAACTCTATACACACACAGCCGGAGG-3'
Protein context (NP_001978.1, residues 116-136): LLQHILKQRK[Pro126Thr]RILFSPFFHP